The following is an entry in ClinVar:

ClinVar aggregate classification (germline): Uncertain significance (1 of 4 stars; one submission).

Conditions:
Chuvash polycythemia. Also called: POLYCYTHEMIA, VHL-DEPENDENT. Identifiers: Orphanet 238557, MedGen C1837915, MONDO:0009892, OMIM 263400.
Von Hippel-Lindau syndrome (VHLS). Also called: Von Hippel-Lindau; von Hippel–Lindau syndrome; VHL syndrome. Identifiers: Orphanet 892, MedGen C0019562, MONDO:0008667, OMIM 193300. Disease mechanism: loss of function.

Submission:

Labcorp Genetics (formerly Invitae), Labcorp
Classification: Uncertain significance for Von Hippel-Lindau syndrome; Chuvash polycythemia. Last evaluated: 2021-06-12. Review status: criteria provided, single submitter. Criteria: Invitae Variant Classification Sherloc (09022015). Collection method: clinical testing. Allele origin: germline.
Comment: In summary, the available evidence is currently insufficient to determine the role of this variant in disease. Therefore, it has been classified as a Variant of Uncertain Significance. Experimental studies and prediction algorithms are not available or were not evaluated, and the functional significance of this variant is currently unknown. This variant has not been reported in the literature in individuals with VHL-related conditions. This variant is not present in population databases (ExAC no frequency). This sequence change results in a frameshift in the VHL gene (p.Met211Trpfs*8). While this is not anticipated to result in nonsense mediated decay, it is expected to disrupt the last 3 amino acid(s) of the VHL protein and extend the protein by 4 additional amino acid residues.

NM_000551.4(VHL):c.630del (p.Met211fs)

Genes: VHL (von Hippel-Lindau tumor suppressor; plus strand), LOC107303340 (3p25 von Hippel-Lindau tumor suppressor, E3 ubiquitin protein ligase Alu-mediated recombination region; plus strand). Cytogenetic location: 3p25.3.
Variant type: Deletion.
Coding change: c.630del on transcript NM_000551.4 (MANE Select); coding-DNA position 630, one base deleted (G; older notation c.630delG).
Protein change: p.Met211fs; shifts the reading frame from methionine 211.
Molecular consequence: frameshift variant. On other transcripts: 3 prime UTR variant (1).
Genome position (GRCh38, 1-based): chr3:10,149,953, G deleted; the last of 2 consecutive G bases (chr3:10,149,952-10,149,953); deleting either gives the same sequence. VCF-style (leftmost placement, unchanged base first): chr3-10149951-CG-C. GRCh37 (hg19) VCF-style: chr3-10191635-CG-C.
Other names: c.*184del (NM_001354723.2); c.507del, p.Met170fs (NM_198156.3); short protein forms M170fs, M211fs.
Identifiers: ClinVar variation 1360415 (VCV001360415.6), dbSNP rs2125130871, ClinGen allele CA2573136196.